The following is an entry in ClinVar:

ClinVar aggregate classification (germline): Uncertain significance (1 of 4 stars; one submission).

Allele frequency attached by ClinVar (database versions not stated): gnomAD exomes below 0.00001; ExAC 0.00001.
gnomAD v4.1: 1 of 1,614,150 alleles (0.000062%); highest among the groups gnomAD compares: African/African-American, 0.0013%; no homozygotes.

Submission:

Labcorp Genetics (formerly Invitae), Labcorp
Classification: Uncertain significance. Last evaluated: 2021-09-06. Review status: criteria provided, single submitter. Criteria: Invitae Variant Classification Sherloc (09022015). Collection method: clinical testing. Allele origin: germline.
Comment: In summary, the available evidence is currently insufficient to determine the role of this variant in disease. Therefore, it has been classified as a Variant of Uncertain Significance. Algorithms developed to predict the effect of missense changes on protein structure and function are either unavailable or do not agree on the potential impact of this missense change (SIFT: "Deleterious"; PolyPhen-2: "Benign"; Align-GVGD: "Class C15"). This variant has not been reported in the literature in individuals affected with EPHA4-related conditions. This variant is present in population databases (rs772477067, ExAC 0.01%). This sequence change replaces lysine with glutamic acid at codon 397 of the EPHA4 protein (p.Lys397Glu). The lysine residue is moderately conserved and there is a small physicochemical difference between lysine and glutamic acid.

NM_004438.5(EPHA4):c.1189A>G (p.Lys397Glu)

Gene: EPHA4 (EPH receptor A4; minus strand). Cytogenetic location: 2q36.1.
Variant type: single nucleotide variant.
Coding change: c.1189A>G on transcript NM_004438.5 (MANE Select); coding-DNA position 1189, A replaced by G.
Protein change: p.Lys397Glu; replaces lysine 397 with glutamic acid.
Molecular consequence: missense variant.
Genome position (GRCh38, 1-based): chr2:221,482,481, T>C on the plus strand (A>G on the coding strand, the complement: EPHA4 is on the minus strand). VCF-style: chr2-221482481-T-C. GRCh37 (hg19) VCF-style: chr2-222347201-T-C.
Other names: c.1189A>G, p.Lys397Glu (NM_001304536.2, NM_001363748.2); c.1036A>G, p.Lys346Glu (NM_001304537.2); short protein forms K346E, K397E.
Identifiers: ClinVar variation 1379984 (VCV001379984.6), dbSNP rs772477067, ClinGen allele CA2135111.
Genomic context (GRCh38, chr2:221,482,481, plus strand): 5'-TCACAGCCCAGATTTCAAAGGTGTAATTGGTATGAGCTAGGAGGTCAGTGATGGAGACTT[T>C]GGTGGTCTTCAAGCCATTCTGCTGTGGGGTGTAGTGGACCCCACTTCCACAGGGTCGGCA-3'
Protein context (NP_004429.1, residues 387-407): TPQQNGLKTT[Lys397Glu]VSITDLLAHT